The following is an entry in ClinVar:

ClinVar aggregate classification (germline): Uncertain significance (1 of 4 stars; one submission).

Conditions:
Polymicrogyria, perisylvian, with cerebellar hypoplasia and arthrogryposis (NEDSPLB). Identifiers: MedGen C4225295, MONDO:0014679, OMIM 616531.

Submission:

3billion
Classification: Uncertain significance for Polymicrogyria, perisylvian, with cerebellar hypoplasia and arthrogryposis. Last evaluated: 2022-09-01. Review status: criteria provided, single submitter. Criteria: ACMG Guidelines, 2015. Collection method: clinical testing. Allele origin: germline. Affected: yes. Observed: 1 homozygote.
Comment: The variant is not observed in the gnomAD v2.1.1 dataset. Missense changes are a common disease-causing mechanism. In silico tool predictions suggest damaging effect of the variant on gene or gene product (REVEL: 0.92; 3Cnet: 0.99). Therefore, this variant is classified as uncertain significance according to the recommendation of ACMG/AMP guideline.

NM_058004.4(PI4KA):c.5860C>G (p.Gln1954Glu)

Gene: PI4KA (phosphatidylinositol 4-kinase alpha; minus strand). Cytogenetic location: 22q11.21.
Variant type: single nucleotide variant.
Coding change: c.5860C>G on transcript NM_058004.4 (MANE Select); coding-DNA position 5860, C replaced by G.
Protein change: p.Gln1954Glu; replaces glutamine 1954 with glutamic acid.
Molecular consequence: missense variant.
Genome position (GRCh38, 1-based): chr22:20,711,404, G>C on the plus strand (C>G on the coding strand, the complement: PI4KA is on the minus strand). VCF-style: chr22-20711404-G-C. GRCh37 (hg19) VCF-style: chr22-21065692-G-C.
Other names: c.5767C>G, p.Gln1923Glu (NM_001362862.2); c.5794C>G, p.Gln1932Glu (NM_001362863.2); short protein forms Q1923E, Q1932E, Q1954E.
Identifiers: ClinVar variation 1705310 (VCV001705310.1), dbSNP rs2517980330, ClinGen allele CA410745279.